The following is an entry in ClinVar:

NM_005591.4(MRE11):c.740A>C (p.His247Pro)

Gene: MRE11 (MRE11 double strand break repair nuclease; minus strand). Cytogenetic location: 11q21.
Variant type: single nucleotide variant.
Coding change: c.740A>C on transcript NM_005591.4 (MANE Select); coding-DNA position 740, A replaced by C.
Protein change: p.His247Pro; replaces histidine 247 with proline.
Molecular consequence: missense variant.
Genome position (GRCh38, 1-based): chr11:94,471,679, T>G on the plus strand (A>C on the coding strand, the complement: MRE11 is on the minus strand). VCF-style: chr11-94471679-T-G. GRCh37 (hg19) VCF-style: chr11-94204845-T-G.
Other names: c.740A>C, p.His247Pro (NM_001330347.2, NM_005590.4); short protein forms H247P.
Identifiers: ClinVar variation 1799720 (VCV001799720.2), dbSNP rs876659322, ClinGen allele CA382375780.

ClinVar aggregate classification (germline): Uncertain significance (1 of 4 stars; one submission).

Conditions:
Hereditary cancer-predisposing syndrome. Also called: Neoplastic Syndromes, Hereditary; Tumor predisposition; Hereditary Cancer Syndrome; Hereditary neoplastic syndrome. Identifiers: Orphanet 140162, MedGen C0027672, MeSH D009386, MONDO:0015356.

Submission:

Ambry Genetics
Classification: Uncertain significance for Hereditary cancer-predisposing syndrome. Last evaluated: 2021-08-15. Review status: criteria provided, single submitter. Criteria: Ambry Variant Classification Scheme 2023. Collection method: clinical testing. Allele origin: germline.
Comment: The p.H247P variant (also known as c.740A>C), located in coding exon 7 of the MRE11A gene, results from an A to C substitution at nucleotide position 740. The histidine at codon 247 is replaced by proline, an amino acid with similar properties. This amino acid position is conserved. In addition, this alteration is predicted to be deleterious by in silico analysis. Since supporting evidence is limited at this time, the clinical significance of this alteration remains unclear.